The following is an entry in ClinVar:

ClinVar aggregate classification (germline): Uncertain significance (1 of 4 stars; one submission).

Submission:

GeneDx
Classification: Uncertain significance. Last evaluated: 2023-01-19. Review status: criteria provided, single submitter. Criteria: GeneDx Variant Classification Process June 2021. Collection method: clinical testing. Allele origin: germline. Affected: yes.
Comment: Not observed at significant frequency in large population cohorts (gnomAD); In silico analysis supports that this missense variant has a deleterious effect on protein structure/function; Has not been previously published as pathogenic or benign to our knowledge

NM_004958.4(MTOR):c.6769A>G (p.Lys2257Glu)

Gene: MTOR (mechanistic target of rapamycin kinase; minus strand). Cytogenetic location: 1p36.22.
Variant type: single nucleotide variant.
Coding change: c.6769A>G on transcript NM_004958.4 (MANE Select); coding-DNA position 6769, A replaced by G.
Protein change: p.Lys2257Glu; replaces lysine 2257 with glutamic acid.
Molecular consequence: missense variant.
Genome position (GRCh38, 1-based): chr1:11,122,020, T>C on the plus strand (A>G on the coding strand, the complement: MTOR is on the minus strand). VCF-style: chr1-11122020-T-C. GRCh37 (hg19) VCF-style: chr1-11182077-T-C.
Other names: c.6769A>G, p.Lys2257Glu (NM_001386500.1); c.5521A>G, p.Lys1841Glu (NM_001386501.1); short protein forms K1841E, K2257E.
Identifiers: ClinVar variation 2573699 (VCV002573699.1), dbSNP rs2522186936, ClinGen allele CA338385860.